The following is an entry in ClinVar:

NM_080425.4(GNAS):c.1276G>C (p.Ala426Pro)

Gene: GNAS (GNAS complex locus; plus strand). Cytogenetic location: 20q13.32.
Variant type: single nucleotide variant.
Coding change: c.1276G>C on transcript NM_080425.4 (MANE Plus Clinical); coding-DNA position 1276, G replaced by C.
Protein change: p.Ala426Pro; replaces alanine 426 with proline.
Molecular consequence: missense variant. On other transcripts: synonymous variant (2), intron variant (3), genic upstream transcript variant (1).
Genome position (GRCh38, 1-based): chr20:58,854,541, G>C. VCF-style: chr20-58854541-G-C. GRCh37 (hg19) VCF-style: chr20-57429596-G-C.
Other names: c.1276G>C (NM_080425.3); c.1089G>C, p.Ser363= (NM_001077490.3, NM_001309883.1); c.1276G>C, p.Ala426Pro (NM_001410913.1); c.*42+13655G>C (NM_016592.5); c.43+13655G>C (NM_001410912.1); c.-39+12666G>C (NM_001309861.2); c.-37186G>C (NM_000516.7); short protein forms A426P.
Identifiers: ClinVar variation 931358 (VCV000931358.10), dbSNP rs767104257, ClinGen allele CA9926663.

ClinVar aggregate classification (germline): Conflicting classifications of pathogenicity. Review status: criteria provided, conflicting classifications (1 of 4 stars). 4 submissions from 4 submitters: Uncertain significance (2); Likely benign (2). Last evaluated 2024-10-25.

Conditions:
Pseudohypoparathyroidism type 1C (PHP1C). Also called: PHP IC; PSEUDOHYPOPARATHYROIDISM, TYPE IC; Pseudohypoparathyroidism Ic (PHP-Ic). Identifiers: Orphanet 79444, MedGen C2932716, MONDO:0012911, OMIM 612462.
Pseudohypoparathyroidism type I A (PHP1A). Also called: Pseudohypoparathyroidism Ia (PHP-Ia); Pseudohypoparathyroidism Type IA; PHP IA; Pseudohypoparathyroidism type 1A; ALBRIGHT HEREDITARY OSTEODYSTROPHY WITH MULTIPLE HORMONE RESISTANCE. Identifiers: Orphanet 79443, MedGen C3494506, MONDO:0007078, OMIM 103580.
Pseudohypoparathyroidism type 1B (PHP1B). Also called: Pseudohypoparathyroidism Type IB; Pseudohypoparathyroidism Ib (PHP-Ib); PHP IB. Identifiers: Orphanet 94089, MedGen C1864100, MONDO:0011301, OMIM 603233.
GNAS-related disorder. Identifiers: MedGen CN380105.
Progressive osseous heteroplasia (POH). Also called: Progressive Osseus Heteroplasia (POH); Osseus Heteroplasia, Progressive; ECTOPIC OSSIFICATION, FAMILIAL; Osteoma cutis. Identifiers: Orphanet 2762, MedGen C0334041, MONDO:0008153, OMIM 166350, HP:0025027.
Pituitary adenoma 3, multiple types. Also called: PITUITARY ADENOMA 3, ACTH-SECRETING, SOMATIC; PITUITARY ADENOMA 3, GROWTH HORMONE-SECRETING, SOMATIC. Identifiers: MedGen C4540135, MONDO:0054665, OMIM 617686.
Pseudopseudohypoparathyroidism (PPHP). Also called: ALBRIGHT HEREDITARY OSTEODYSTROPHY WITHOUT MULTIPLE HORMONE RESISTANCE; Pseudopseudohypoparathyroidism (PPHP). Identifiers: Orphanet 79445, MedGen C0033835, MONDO:0012912, OMIM 612463.
ACTH-independent macronodular adrenal hyperplasia 1 (AIMAH1). Also called: ACTH-independent macronodular adrenal hyperplasia, somatic; CORTICOTROPIN-INDEPENDENT MACRONODULAR ADRENAL HYPERPLASIA; ADRENOCORTICOTROPIC HORMONE-INDEPENDENT MACRONODULAR ADRENAL HYPERPLASIA; ACTH-INDEPENDENT MACRONODULAR ADRENOCORTICAL HYPERPLASIA; CUSHING SYNDROME, ADRENAL, DUE TO AIMAH. Identifiers: MedGen C1857451, MONDO:0020735, OMIM 219080.
McCune-Albright syndrome (MAS). Also called: Albright's Syndrome; Albright's disease; McCune-Albright syndrome, somatic, mosaic; Fibrous Dysplasia / McCune-Albright Syndrome; ALBRIGHT SYNDROME. Identifiers: Orphanet 562, MedGen C0242292, MONDO:0018919, OMIM 174800.

Allele frequency attached by ClinVar (database versions not stated): TOPMed 0.00006.
gnomAD v4.1: 108 of 1,563,346 alleles (0.0069%); highest among the groups gnomAD compares: Non-Finnish European, 0.0087%; no homozygotes.

Submissions (4):

PreventionGenetics, part of Exact Sciences
Classification: Uncertain significance for GNAS-related condition. Last evaluated: 2024-10-25. Review status: criteria provided, single submitter. Criteria: ACMG Guidelines, 2015. Collection method: clinical testing. Allele origin: germline.
Comment: The GNAS c.1276G>C variant is predicted to result in the amino acid substitution p.Ala426Pro. This variant has been observed in an individual from a cohort of patients with inherited platelet disorders (Table 5, Bastida et al. 2018. PubMed ID: 28983057). This variant is reported in 0.0082% of alleles in individuals of European (Non-Finnish) descent in gnomAD. At this time, the clinical significance of this variant is uncertain due to the absence of conclusive functional and genetic evidence.

New York Genome Center
Classification: Uncertain significance for Pseudohypoparathyroidism type I A; Pseudohypoparathyroidism type 1B; Pseudohypoparathyroidism type 1C. Last evaluated: 2022-07-19. Review status: criteria provided, single submitter. Criteria: NYGC Assertion Criteria 2020. Collection method: clinical testing. Allele origin: germline. Observed: 1 heterozygote.

Fulgent Genetics
Classification: Likely benign for Pseudohypoparathyroidism type I A; Progressive osseous heteroplasia; McCune-Albright syndrome; ACTH-independent macronodular adrenal hyperplasia 1; Pseudohypoparathyroidism type 1B; Pseudohypoparathyroidism type 1C; Pseudopseudohypoparathyroidism; Pituitary adenoma 3, multiple types. Last evaluated: 2021-12-24. Review status: criteria provided, single submitter. Criteria: ACMG Guidelines, 2015. Collection method: clinical testing. Allele origin: unknown.

Centre for Mendelian Genomics, University Medical Centre Ljubljana
Classification: Likely benign for Pseudohypoparathyroidism type 1B. Last evaluated: 2018-10-30. Review status: criteria provided, single submitter. Criteria: ACMG Guidelines, 2015. Collection method: clinical testing. Allele origin: unknown. Affected: yes.
Comment: This variant was classified as: Likely benign. The following ACMG criteria were applied in classifying this variant: PP2,BP4,BP7.